The following is an entry in ClinVar:

NM_000141.5(FGFR2):c.2301+1526A>G

Gene: FGFR2 (fibroblast growth factor receptor 2; minus strand). Cytogenetic location: 10q26.13.
Variant type: single nucleotide variant.
Coding change: c.2301+1526A>G on transcript NM_000141.5 (MANE Select); 1526 bases into the intron after coding-DNA position 2301, A replaced by G.
Molecular consequence: intron variant. On other transcripts: stop lost (2).
Genome position (GRCh38, 1-based): chr10:121,482,172, T>C on the plus strand (A>G on the coding strand, the complement: FGFR2 is on the minus strand). VCF-style: chr10-121482172-T-C. GRCh37 (hg19) VCF-style: chr10-123241686-T-C.
Other names: *770W; *681W; c.2310A>G, p.Ter770Trp (NM_001144913.1); c.2043A>G, p.Ter681Trp (NM_001144919.2); c.1965+1526A>G (NM_001144914.1); c.1950+1526A>G (NM_001144918.2, NM_001441091.1); c.1956+1526A>G (NM_001441090.1, NM_001144916.2); c.2028+1526A>G (NM_001441089.1); and 7 more.
Identifiers: ClinVar variation 134389 (VCV000134389.2), dbSNP rs189179463, ClinGen allele CA159669.

ClinVar aggregate classification (germline): Likely benign. Review status: criteria provided, single submitter (1 of 4 stars). 2 submissions from 2 submitters: Likely benign (1). 1 of the submissions does not count toward it. Last evaluated 2024-09-30.

Allele frequency attached by ClinVar (database versions not stated): gnomAD exomes 0.00003 and 0.00006; ExAC 0.00008; gnomAD 0.00025 and 0.00026; TOPMed 0.00031; 1000 Genomes Project 30x 0.00047; ESP Exome Variant Server 0.00049; 1000 Genomes Project 0.00060.
gnomAD v4.1: 85 of 1,612,968 alleles (0.0053%); highest among the groups gnomAD compares: African/African-American, 0.089%; no homozygotes.

Submissions (2):

Blueprint Genetics
Classification: Likely benign. Last evaluated: 2024-09-30. Review status: criteria provided, single submitter. Criteria: ACMG Guidelines, 2015. Collection method: clinical testing. Allele origin: germline.

ITMI
No classification provided. Condition: AllHighlyPenetrant. Last evaluated: 2013-09-19. Review status: no classification provided. Collection method: reference population. Allele origin: germline. Not counted in ClinVar's aggregate classification.
Comment: Please see associated publication for description of ethnicities

Literature cited by the submitters: PubMed 24728327 (cited by ITMI).